The following is an entry in ClinVar:

NM_000229.2(LCAT):c.140G>A (p.Arg47Gln)

Genes: SLC12A4 (solute carrier family 12 member 4; minus strand), LCAT (lecithin-cholesterol acyltransferase; minus strand). Cytogenetic location: 16q22.1.
Variant type: single nucleotide variant.
Coding change: c.140G>A on transcript NM_000229.2 (MANE Select); coding-DNA position 140, G replaced by A.
Protein change: p.Arg47Gln; replaces arginine 47 with glutamine.
Molecular consequence: missense variant. On other transcripts: 3 prime UTR variant (5).
Genome position (GRCh38, 1-based): chr16:67,943,962, C>T on the plus strand (G>A on the coding strand, the complement: LCAT is on the minus strand). VCF-style: chr16-67943962-C-T. GRCh37 (hg19) VCF-style: chr16-67977865-C-T.
Other names: c.*878G>A (NM_001145961.2, NM_001145962.1, NM_001145963.2 and 2 more transcripts); short protein forms R47Q.
Identifiers: ClinVar variation 3700736 (VCV003700736.2).

ClinVar aggregate classification (germline): Uncertain significance (1 of 4 stars; one submission).

gnomAD v4.1: 12 of 1,547,130 alleles (0.00078%); highest among the groups gnomAD compares: South Asian, 0.006%; no homozygotes.

Submission:

Labcorp Genetics (formerly Invitae), Labcorp
Classification: Uncertain significance. Last evaluated: 2024-12-22. Review status: criteria provided, single submitter. Criteria: Invitae Variant Classification Sherloc (09022015). Collection method: clinical testing. Allele origin: germline.
Comment: This sequence change replaces arginine, which is basic and polar, with glutamine, which is neutral and polar, at codon 47 of the LCAT protein (p.Arg47Gln). This variant is present in population databases (rs774333955, gnomAD 0.009%). This variant has not been reported in the literature in individuals affected with LCAT-related conditions. Invitae Evidence Modeling of protein sequence and biophysical properties (such as structural, functional, and spatial information, amino acid conservation, physicochemical variation, residue mobility, and thermodynamic stability) has been performed for this missense variant. However, the output from this modeling did not meet the statistical confidence thresholds required to predict the impact of this variant on LCAT protein function. In summary, the available evidence is currently insufficient to determine the role of this variant in disease. Therefore, it has been classified as a Variant of Uncertain Significance.